The following is an entry in ClinVar:

ClinVar aggregate classification (germline): Uncertain significance. Review status: criteria provided, multiple submitters, no conflicts (2 of 4 stars). 2 submissions from 2 submitters: Uncertain significance (2). Last evaluated 2023-03-31.

Conditions:
Inborn genetic diseases. Identifiers: MedGen C0950123, MeSH D030342.
Mosaic variegated aneuploidy syndrome 1 (MVA1). Also called: Warburton-Anyane-Yeboa syndrome. Identifiers: Orphanet 1052, MedGen C1850343, MONDO:0009759, OMIM 257300.

Allele frequency attached by ClinVar (database versions not stated): TOPMed below 0.00001; gnomAD 0.00001.
gnomAD v4.1: 1 of 1,612,920 alleles (0.000062%); highest among the groups gnomAD compares: Non-Finnish European, 0.000085%; no homozygotes.

Submissions (2):

Labcorp Genetics (formerly Invitae), Labcorp
Classification: Uncertain significance for Mosaic variegated aneuploidy syndrome 1. Last evaluated: 2023-03-31. Review status: criteria provided, single submitter. Criteria: Invitae Variant Classification Sherloc (09022015). Collection method: clinical testing. Allele origin: germline.
Comment: In summary, the available evidence is currently insufficient to determine the role of this variant in disease. Therefore, it has been classified as a Variant of Uncertain Significance. ClinVar contains an entry for this variant (Variation ID: 1792617). An algorithm developed to predict the effect of missense changes on protein structure and function (PolyPhen-2) suggests that this variant is likely to be disruptive. This variant has not been reported in the literature in individuals affected with BUB1B-related conditions. This variant is not present in population databases (gnomAD no frequency). This sequence change replaces threonine, which is neutral and polar, with isoleucine, which is neutral and non-polar, at codon 843 of the BUB1B protein (p.Thr843Ile).

Ambry Genetics
Classification: Uncertain significance for Inborn genetic diseases. Last evaluated: 2021-08-13. Review status: criteria provided, single submitter. Criteria: Ambry Variant Classification Scheme 2023. Collection method: clinical testing. Allele origin: germline.
Comment: The p.T843I variant (also known as c.2528C>T), located in coding exon 19 of the BUB1B gene, results from a C to T substitution at nucleotide position 2528. The threonine at codon 843 is replaced by isoleucine, an amino acid with similar properties. This amino acid position is conserved. In addition, the in silico prediction for this alteration is inconclusive. Since supporting evidence is limited at this time, the clinical significance of this alteration remains unclear.

NM_001211.6(BUB1B):c.2528C>T (p.Thr843Ile)

Gene: BUB1B (BUB1 mitotic checkpoint serine/threonine kinase B; plus strand). Cytogenetic location: 15q15.1.
Variant type: single nucleotide variant.
Coding change: c.2528C>T on transcript NM_001211.6 (MANE Select); coding-DNA position 2528, C replaced by T.
Protein change: p.Thr843Ile; replaces threonine 843 with isoleucine.
Molecular consequence: missense variant.
Genome position (GRCh38, 1-based): chr15:40,212,641, C>T. VCF-style: chr15-40212641-C-T. GRCh37 (hg19) VCF-style: chr15-40504842-C-T.
Other names: short protein forms T843I.
Identifiers: ClinVar variation 1792617 (VCV001792617.5), dbSNP rs2037728904, ClinGen allele CA391695571.
Genomic context (GRCh38, chr15:40,212,641, plus strand): 5'-GCAGCTGTTATCAATATCAAGATGGCTGTATTGTTTGGCACCAATATATAAACTGCTTCA[C>T]CCTTCAGGTCTGTAATACTAAAAACATAATTTAAAGTCCTGAAGTAGAGAGATTTGTGCT-3'
Protein context (NP_001202.5, residues 833-853): IVWHQYINCF[Thr843Ile]LQDLLQHSEY